The following is an entry in ClinVar:

ClinVar aggregate classification (germline): Uncertain significance (1 of 4 stars; one submission).

Submission:

Labcorp Genetics (formerly Invitae), Labcorp
Classification: Uncertain significance. Last evaluated: 2020-10-07. Review status: criteria provided, single submitter. Criteria: Invitae Variant Classification Sherloc (09022015). Collection method: clinical testing. Allele origin: germline.
Comment: This variant results in a copy number gain of the genomic region encompassing the full coding sequence of the CA4 gene. The boundaries of this event are unknown as they extend beyond the assayed region for this gene and therefore may encompass additional genes. As the precise location of this event is unknown, it may be in tandem or it may be located elsewhere in the genome. This variant has not been reported in the literature in individuals with CA4-related conditions. Experimental studies and prediction algorithms are not available or were not evaluated, and the functional significance of this variant is currently unknown. In summary, the available evidence is currently insufficient to determine the role of this variant in disease. Therefore, it has been classified as a Variant of Uncertain Significance.

NC_000017.10:g.(?_58227396)_(58236785_?)dup

Gene: CA4 (carbonic anhydrase 4; plus strand). Cytogenetic location: 17q23.1.
Variant type: Duplication.
Identifiers: ClinVar variation 1010438 (VCV001010438.1).